The following is an entry in ClinVar:

NM_022051.3(EGLN1):c.374C>G (p.Ser125Trp)

Gene: EGLN1 (egl-9 family hypoxia inducible factor 1; minus strand). Cytogenetic location: 1q42.2.
Variant type: single nucleotide variant.
Coding change: c.374C>G on transcript NM_022051.3 (MANE Select); coding-DNA position 374, C replaced by G.
Protein change: p.Ser125Trp; replaces serine 125 with tryptophan.
Molecular consequence: missense variant.
Genome position (GRCh38, 1-based): chr1:231,421,515, G>C on the plus strand (C>G on the coding strand, the complement: EGLN1 is on the minus strand). VCF-style: chr1-231421515-G-C. GRCh37 (hg19) VCF-style: chr1-231557261-G-C.
Other names: c.374C>G, p.Ser125Trp (NM_001377260.1, NM_001377261.1); short protein forms S125W.
Identifiers: ClinVar variation 1734541 (VCV001734541.2), dbSNP rs1212457845, ClinGen allele CA345237391.

ClinVar aggregate classification (germline): Uncertain significance (1 of 4 stars; one submission).

Submission:

Ambry Genetics
Classification: Uncertain significance. Last evaluated: 2021-07-07. Review status: criteria provided, single submitter. Criteria: Ambry Variant Classification Scheme 2023. Collection method: clinical testing. Allele origin: germline.
Comment: The p.S125W variant (also known as c.374C>G), located in coding exon 1 of the EGLN1 gene, results from a C to G substitution at nucleotide position 374. The serine at codon 125 is replaced by tryptophan, an amino acid with highly dissimilar properties. This amino acid position is conserved. In addition, this alteration is predicted to be tolerated by in silico analysis. Since supporting evidence is limited at this time, the clinical significance of this alteration remains unclear.